The following is an entry in ClinVar:

NM_014780.5(CUL7):c.2360G>A (p.Arg787His)

Gene: CUL7 (cullin 7; minus strand). Cytogenetic location: 6p21.1.
Variant type: single nucleotide variant.
Coding change: c.2360G>A on transcript NM_014780.5 (MANE Select); coding-DNA position 2360, G replaced by A.
Protein change: p.Arg787His; replaces arginine 787 with histidine.
Molecular consequence: missense variant.
Genome position (GRCh38, 1-based): chr6:43,046,917, C>T on the plus strand (G>A on the coding strand, the complement: CUL7 is on the minus strand). VCF-style: chr6-43046917-C-T. GRCh37 (hg19) VCF-style: chr6-43014655-C-T.
Other names: c.2456G>A, p.Arg819His (NM_001168370.2, NM_001374872.1); c.2360G>A, p.Arg787His (NM_001374873.1, NM_001374874.1); short protein forms R787H, R819H.
Identifiers: ClinVar variation 909364 (VCV000909364.6), dbSNP rs200899810, ClinGen allele CA3813915.

ClinVar aggregate classification (germline): Uncertain significance. Review status: criteria provided, multiple submitters, no conflicts (2 of 4 stars). 3 submissions from 3 submitters: Uncertain significance (3). Last evaluated 2024-03-26.

Conditions:
Inborn genetic diseases. Identifiers: MedGen C0950123, MeSH D030342.
3M syndrome 1. Also called: 3-M Syndrome, CUL7-Related. Identifiers: Orphanet 2616, MedGen C2678312, MONDO:0010117, OMIM 273750.

Allele frequency attached by ClinVar (database versions not stated): ExAC 0.00002; gnomAD 0.00002 and 0.00003; gnomAD exomes 0.00002; TOPMed 0.00002; ESP Exome Variant Server 0.00008.
gnomAD v4.1: 40 of 1,611,274 alleles (0.0025%); highest among the groups gnomAD compares: East Asian, 0.0067%; no homozygotes.

Submissions (3):

Ambry Genetics
Classification: Uncertain significance for Inborn genetic diseases. Last evaluated: 2024-03-26. Review status: criteria provided, single submitter. Criteria: Ambry Variant Classification Scheme 2023. Collection method: clinical testing. Allele origin: germline.

Labcorp Genetics (formerly Invitae), Labcorp
Classification: Uncertain significance. Last evaluated: 2022-06-08. Review status: criteria provided, single submitter. Criteria: Invitae Variant Classification Sherloc (09022015). Collection method: clinical testing. Allele origin: germline.
Comment: This sequence change replaces arginine, which is basic and polar, with histidine, which is basic and polar, at codon 787 of the CUL7 protein (p.Arg787His). This variant is present in population databases (rs200899810, gnomAD 0.02%). This variant has not been reported in the literature in individuals affected with CUL7-related conditions. ClinVar contains an entry for this variant (Variation ID: 909364). Algorithms developed to predict the effect of missense changes on protein structure and function are either unavailable or do not agree on the potential impact of this missense change (SIFT: "Deleterious"; PolyPhen-2: "Possibly Damaging"; Align-GVGD: "Class C0"). In summary, the available evidence is currently insufficient to determine the role of this variant in disease. Therefore, it has been classified as a Variant of Uncertain Significance.

Illumina Laboratory Services, Illumina
Classification: Uncertain significance for 3M syndrome 1. Last evaluated: 2018-01-15. Review status: criteria provided, single submitter. Criteria: ICSL Variant Classification Criteria 13 December 2019. Collection method: clinical testing. Allele origin: germline.